The following is an entry in ClinVar:

ClinVar aggregate classification (germline): Benign/Likely benign. Review status: criteria provided, multiple submitters, no conflicts (2 of 4 stars). 3 submissions from 3 submitters: Benign (1); Likely benign (2). Last evaluated 2026-07-01.

Conditions:
Sessile serrated polyposis cancer syndrome (SSPCS). Identifiers: Orphanet 157798, MedGen C4310714, MONDO:0014919, OMIM 617108.

gnomAD v4.1: 2 of 1,614,016 alleles (0.00012%); highest among the groups gnomAD compares: Admixed American, 0.0017%; no homozygotes.

Submissions (3):

Myriad Genetics, Inc.
Classification: Benign for Sessile serrated polyposis cancer syndrome. Last evaluated: 2026-07-01. Review status: criteria provided, single submitter. Criteria: Myriad Autosomal Dominant, Autosomal Recessive and X-Linked Classification Criteria (2023). Collection method: clinical testing. Allele origin: unknown.
Comment: This variant is considered benign. This variant is a silent/synonymous amino acid change and it is not expected to impact splicing.

Center for Genomic Medicine, Rigshospitalet, Copenhagen University Hospital
Classification: Likely benign. Last evaluated: 2025-12-29. Review status: criteria provided, single submitter. Criteria: ACMG Guidelines, 2015. Collection method: clinical testing. Allele origin: germline.

Ambry Genetics
Classification: Likely benign. Last evaluated: 2024-11-22. Review status: criteria provided, single submitter. Criteria: Ambry Variant Classification Scheme 2023. Collection method: clinical testing. Allele origin: germline.

NM_017763.6(RNF43):c.1296A>G (p.Pro432=)

Gene: RNF43 (ring finger protein 43; minus strand). Cytogenetic location: 17q22.
Variant type: single nucleotide variant.
Coding change: c.1296A>G on transcript NM_017763.6 (MANE Select); coding-DNA position 1296, A replaced by G.
Protein change: p.Pro432=; no amino-acid change (proline 432 retained).
Molecular consequence: synonymous variant.
Genome position (GRCh38, 1-based): chr17:58,358,480, T>C on the plus strand (A>G on the coding strand, the complement: RNF43 is on the minus strand). VCF-style: chr17-58358480-T-C. GRCh37 (hg19) VCF-style: chr17-56435841-T-C.
Other names: c.1296A>G, p.Pro432= (NM_001305544.3); c.915A>G, p.Pro305= (NM_001305545.2).
Identifiers: ClinVar variation 3434504 (VCV003434504.3).